The following is an entry in ClinVar:

NM_001267550.2(TTN):c.13224del (p.Ser4409fs)

Gene: TTN (titin; minus strand). Cytogenetic location: 2q31.2.
Variant type: Deletion.
Coding change: c.13224del on transcript NM_001267550.2 (MANE Select); coding-DNA position 13224, one base deleted (C; older notation c.13224delC).
Protein change: p.Ser4409fs; shifts the reading frame from serine 4409.
Molecular consequence: frameshift variant. On other transcripts: intron variant (1).
Genome position (GRCh38, 1-based): chr2:178,740,009, G deleted on the plus strand (C on the coding strand, the reverse complement: TTN is on the minus strand); the first of 2 consecutive G bases (chr2:178,740,009-178,740,010); deleting either gives the same sequence. VCF-style (leftmost placement, unchanged base first): chr2-178740008-TG-T. GRCh37 (hg19) VCF-style: chr2-179604735-TG-T.
Other names: c.12273del, p.Ser4092fs (NM_001256850.1); c.12135del, p.Ser4046fs (NM_003319.4); c.12510del, p.Ser4171fs (NM_133432.3); c.12711del, p.Ser4238fs (NM_133437.4); c.10361-1649del (NM_133378.4); short protein forms S4046fs, S4092fs, S4171fs, S4238fs, S4409fs.
Identifiers: ClinVar variation 3755769 (VCV003755769.2).

ClinVar aggregate classification (germline): Likely pathogenic (1 of 4 stars; one submission).

Conditions:
Dilated cardiomyopathy 1G (CMD1G). Identifiers: Orphanet 154, MedGen C1858763, MONDO:0011400, OMIM 604145.
Autosomal recessive limb-girdle muscular dystrophy type 2J (LGMDR10). Also called: Limb-girdle muscular dystrophy, type 2J; MUSCULAR DYSTROPHY, LIMB-GIRDLE, AUTOSOMAL RECESSIVE 10. Identifiers: Orphanet 140922, MedGen C1837342, MONDO:0012127, OMIM 608807.

Submission:

Labcorp Genetics (formerly Invitae), Labcorp
Classification: Likely pathogenic for Dilated cardiomyopathy 1G; Autosomal recessive limb-girdle muscular dystrophy type 2J. Last evaluated: 2024-04-09. Review status: criteria provided, single submitter. Criteria: Invitae Variant Classification Sherloc (09022015). Collection method: clinical testing. Allele origin: germline.
Comment: This sequence change creates a premature translational stop signal (p.Ser4409Alafs*11) in the TTN gene. While this is not anticipated to result in nonsense mediated decay, it is expected to create a truncated TTN protein. This variant is not present in population databases (gnomAD no frequency). This variant has not been reported in the literature in individuals affected with TTN-related conditions. This variant is located in the I band of TTN (PMID: 25589632). Truncating variants in this region have been reported in individuals affected with autosomal recessive centronuclear myopathy (PMID: 23975875, Invitae internal data). Truncating variants in this region have also been identified in individuals affected with autosomal dominant dilated cardiomyopathy and/or cardio-related conditions (PMID: 27869827, 32964742, Invitae internal data). In summary, the currently available evidence indicates that the variant is pathogenic, but additional data are needed to prove that conclusively. Therefore, this variant has been classified as Likely Pathogenic.

Literature cited by the submitters: PubMed 25589632; PubMed 23975875; PubMed 27869827; PubMed 32964742.